The following is an entry in ClinVar:

ClinVar aggregate classification (germline): Uncertain significance (1 of 4 stars; one submission).

Conditions:
Charcot-Marie-Tooth disease type 2. Also called: Charcot-Marie-Tooth type 2. Identifiers: Orphanet 64746, MedGen C0270914, MONDO:0018993.

Submission:

Labcorp Genetics (formerly Invitae), Labcorp
Classification: Uncertain significance for Charcot-Marie-Tooth disease type 2. Last evaluated: 2022-04-10. Review status: criteria provided, single submitter. Criteria: Invitae Variant Classification Sherloc (09022015). Collection method: clinical testing. Allele origin: germline.
Comment: In summary, the available evidence is currently insufficient to determine the role of this variant in disease. Therefore, it has been classified as a Variant of Uncertain Significance. Algorithms developed to predict the effect of missense changes on protein structure and function are either unavailable or do not agree on the potential impact of this missense change (SIFT: "Tolerated"; PolyPhen-2: "Probably Damaging"; Align-GVGD: "Class C0"). This variant has not been reported in the literature in individuals affected with MED25-related conditions. This variant is not present in population databases (gnomAD no frequency). This sequence change replaces lysine, which is basic and polar, with arginine, which is basic and polar, at codon 130 of the MED25 protein (p.Lys130Arg).

NM_030973.4(MED25):c.389A>G (p.Lys130Arg)

Gene: MED25 (mediator complex subunit 25; plus strand). Cytogenetic location: 19q13.33.
Variant type: single nucleotide variant.
Coding change: c.389A>G on transcript NM_030973.4 (MANE Select); coding-DNA position 389, A replaced by G.
Protein change: p.Lys130Arg; replaces lysine 130 with arginine.
Molecular consequence: missense variant.
Genome position (GRCh38, 1-based): chr19:49,828,532, A>G. VCF-style: chr19-49828532-A-G. GRCh37 (hg19) VCF-style: chr19-50331789-A-G.
Other names: c.389A>G, p.Lys130Arg (NM_001378355.1); short protein forms K130R.
Identifiers: ClinVar variation 2124021 (VCV002124021.4), dbSNP rs2514507908, ClinGen allele CA406912096.